The following is an entry in ClinVar:

ClinVar aggregate classification (germline): Pathogenic (1 of 4 stars; one submission).

Conditions:
Christianson syndrome (MRXSCH). Also called: X-linked mental retardation, syndromic, Christianson type; SLC9A6-Related Syndromic Mental Retardation; INTELLECTUAL DEVELOPMENTAL DISORDER, X-LINKED, SYNDROMIC, CHRISTIANSON TYPE. Identifiers: Orphanet 85278, MedGen C2678194, MONDO:0010278, OMIM 300243.

Submission:

Labcorp Genetics (formerly Invitae), Labcorp
Classification: Pathogenic for Christianson syndrome. Last evaluated: 2023-07-29. Review status: criteria provided, single submitter. Criteria: Invitae Variant Classification Sherloc (09022015). Collection method: clinical testing. Allele origin: unknown.
Comment: This variant is a gross deletion of the genomic region encompassing exon(s) 13 of the SLC9A6 gene. This deletion is out-of-frame, and is expected to create a premature termination codon and result in an absent or disrupted protein product. Loss-of-function variants in SLC9A6 are known to be pathogenic (PMID: 18342287). This variant has not been reported in the literature in individuals affected with SLC9A6-related conditions. For these reasons, this variant has been classified as Pathogenic.

Literature cited by the submitters: PubMed 18342287.

NC_000023.10:g.(?_135112271)_(135112341_?)del

Gene: SLC9A6 (solute carrier family 9 member A6; plus strand). Cytogenetic location: Xq26.3.
Variant type: Deletion.
Identifiers: ClinVar variation 3245220 (VCV003245220.1).